The following is an entry in ClinVar:

NM_002439.5(MSH3):c.1757A>G (p.Lys586Arg)

Gene: MSH3 (mutS homolog 3; plus strand). Cytogenetic location: 5q14.1.
Variant type: single nucleotide variant.
Coding change: c.1757A>G on transcript NM_002439.5 (MANE Select); coding-DNA position 1757, A replaced by G.
Protein change: p.Lys586Arg; replaces lysine 586 with arginine.
Molecular consequence: missense variant.
Genome position (GRCh38, 1-based): chr5:80,744,609, A>G. VCF-style: chr5-80744609-A-G. GRCh37 (hg19) VCF-style: chr5-80040428-A-G.
Other names: short protein forms K586R.
Identifiers: ClinVar variation 1061944 (VCV001061944.9), dbSNP rs1580599485, ClinGen allele CA360274840.
Genomic context (GRCh38, chr5:80,744,609, plus strand): 5'-ACACTAAAACTTCATTTGGGAGACGGAAGTTAAAGAAGTGGGTGACCCAGCCACTCCTTA[A>G]ATTAAGGTAAAAGGAATTCTTTTTGGGGTGTTTAATCTGAAATTATAAAATTTTGAAATT-3'
Protein context (NP_002430.3, residues 576-596): LKKWVTQPLL[Lys586Arg]LREINARLDA

ClinVar aggregate classification (germline): Uncertain significance (1 of 4 stars; one submission).

Submission:

Labcorp Genetics (formerly Invitae), Labcorp
Classification: Uncertain significance. Last evaluated: 2026-01-13. Review status: criteria provided, single submitter. Criteria: Invitae Variant Classification Sherloc (09022015). Collection method: clinical testing. Allele origin: germline.
Comment: This sequence change replaces lysine, which is basic and polar, with arginine, which is basic and polar, at codon 586 of the MSH3 protein (p.Lys586Arg). This variant is not present in population databases (gnomAD no frequency). This variant has not been reported in the literature in individuals affected with MSH3-related conditions. ClinVar contains an entry for this variant (Variation ID: 1061944). An algorithm developed to predict the effect of missense changes on protein structure and function outputs the following: PolyPhen-2: "Benign". The arginine amino acid residue is found in multiple mammalian species, which suggests that this missense change does not adversely affect protein function. In summary, the available evidence is currently insufficient to determine the role of this variant in disease. Therefore, it has been classified as a Variant of Uncertain Significance.